The following is an entry in ClinVar:

ClinVar aggregate classification (germline): Conflicting classifications of pathogenicity. Review status: criteria provided, conflicting classifications (1 of 4 stars). 6 submissions from 6 submitters: Uncertain significance (5); Likely benign (1). Last evaluated 2026-04-08.

Conditions:
Channelopathy-associated congenital insensitivity to pain, autosomal recessive. Also called: CONGENITAL ANALGESIA, AUTOSOMAL RECESSIVE; ASYMBOLIA FOR PAIN; Insensitivity to pain, channelopathy-associated. Identifiers: Orphanet 88642, Orphanet 970, MedGen C1855739, MONDO:0009459, OMIM 243000.
Neuropathy, hereditary sensory and autonomic, type 2A (HSAN2A). Also called: HSAN IIA; ACROOSTEOLYSIS, GIACCAI TYPE; ACROOSTEOLYSIS, NEUROGENIC; MORVAN DISEASE; NEUROPATHY, CONGENITAL SENSORY; NEUROPATHY, HEREDITARY SENSORY RADICULAR, AUTOSOMAL RECESSIVE. Identifiers: Orphanet 970, MedGen C2752089, MONDO:0024309, OMIM 201300.
Paroxysmal extreme pain disorder (PEXPD). Also called: SCN9A Paroxysmal Extreme Pain Disorder (SCN9A-PEPD); PAIN, SUBMANDIBULAR, OCULAR, AND RECTAL, WITH FLUSHING; RECTAL PAIN, FAMILIAL. Identifiers: Orphanet 46348, MedGen C1833661, MONDO:0008179, OMIM 167400.
Primary erythromelalgia. Also called: primary erythermalgia; SCN9A Erythromelalgia (SCN9A-EM). Identifiers: Orphanet 306577, Orphanet 90026, MedGen C0014805, MONDO:0007571, OMIM 133020.
SCN9A-related disorder. Also called: SCN9A-related disorders; SCN9A-related condition.
Inborn genetic diseases. Identifiers: MedGen C0950123, MeSH D030342.
Generalized epilepsy with febrile seizures plus, type 7 (GEFSP7). Also called: GEFS+, TYPE 7. Identifiers: Orphanet 36387, MedGen C2751778, MONDO:0013470, OMIM 613863.

Allele frequency attached by ClinVar (database versions not stated): gnomAD 0.00001 and 0.00002; ExAC 0.00003; gnomAD exomes 0.00003 and 0.00013; TOPMed 0.00003; ESP Exome Variant Server 0.00008.
gnomAD v4.1: 189 of 1,612,486 alleles (0.012%); highest among the groups gnomAD compares: Non-Finnish European, 0.016%; no homozygotes.

Submissions (6):

PreventionGenetics, part of Exact Sciences
Classification: Uncertain significance for SCN9A-related condition. Last evaluated: 2026-04-08. Review status: criteria provided, single submitter. Criteria: ACMG Guidelines, 2015. Collection method: clinical testing. Allele origin: germline.
Comment: The SCN9A c.3415G>A variant is predicted to result in the amino acid substitution p.Glu1139Lys. This variant has been reported in an individual with severe myalgia; however, in vitro gating and kinetics studies did not identify any differences compared to the wildtype Nav1.7 channel (Le Cann et al. 2021. PubMed ID: 33487118). This variant is reported in 0.0065% of alleles in individuals of African descent in gnomAD. At this time, the clinical significance of this variant is uncertain due to the absence of conclusive functional and genetic evidence.

Women's Health and Genetics/Laboratory Corporation of America, LabCorp
Classification: Likely benign. Last evaluated: 2025-12-09. Review status: criteria provided, single submitter. Criteria: LabCorp Variant Classification Summary - May 2015. Collection method: clinical testing. Allele origin: germline.
Comment: Variant summary: SCN9A c.3415G>A (p.Glu1139Lys) results in a conservative amino acid change in the encoded protein sequence. Algorithms developed to predict the effect of missense changes on protein structure and function are either unavailable or do not agree on the potential impact of this missense change. The variant allele was found at a frequency of 0.00012 in 1605496 control chromosomes (gnomAD). The observed variant frequency exceeds the estimated maximal expected allele frequency for disease-causing variants in SCN9A. The variant, c.3415G>A, has been observed in an individual affected with severe myalgia exacerbated by exercise, who also had several other symptoms (Le Cann_2021). Authors of this study reported experimental evidence evaluating an impact on protein function, but found no difference between WT and E1139K sodium channels (Le Cann_2021). The following publication has been ascertained in the context of this evaluation (PMID: 33487118). ClinVar contains an entry for this variant (Variation ID: 471112). Based on the evidence outlined above, the variant was classified as likely benign.

Ambry Genetics
Classification: Uncertain significance for Inborn genetic diseases. Last evaluated: 2025-07-02. Review status: criteria provided, single submitter. Criteria: Ambry Variant Classification Scheme 2023. Collection method: clinical testing. Allele origin: germline.

Labcorp Genetics (formerly Invitae), Labcorp
Classification: Uncertain significance for Neuropathy, hereditary sensory and autonomic, type 2A; Generalized epilepsy with febrile seizures plus, type 7. Last evaluated: 2025-05-13. Review status: criteria provided, single submitter. Criteria: Invitae Variant Classification Sherloc (09022015). Collection method: clinical testing. Allele origin: germline.
Comment: This sequence change replaces glutamic acid, which is acidic and polar, with lysine, which is basic and polar, at codon 1139 of the SCN9A protein (p.Glu1139Lys). This variant is present in population databases (rs367794835, gnomAD 0.005%). This missense change has been observed in individual(s) with clinical features of genetic epilepsy with febrile seizures plus (internal data). ClinVar contains an entry for this variant (Variation ID: 471112). Invitae Evidence Modeling of protein sequence and biophysical properties (such as structural, functional, and spatial information, amino acid conservation, physicochemical variation, residue mobility, and thermodynamic stability) indicates that this missense variant is not expected to disrupt SCN9A protein function with a negative predictive value of 95%. In summary, the available evidence is currently insufficient to determine the role of this variant in disease. Therefore, it has been classified as a Variant of Uncertain Significance.

Mayo Clinic Laboratories, Mayo Clinic
Classification: Uncertain significance. Last evaluated: 2022-02-22. Review status: criteria provided, single submitter. Criteria: ACMG Guidelines, 2015. Collection method: clinical testing. Allele origin: germline. Observed: 2 variant alleles.
Comment: BS3

GeneDx
Classification: Uncertain significance. Last evaluated: 2021-05-28. Review status: criteria provided, single submitter. Criteria: GeneDx Variant Classification Process June 2021. Collection method: clinical testing. Allele origin: germline. Affected: yes.
Comment: Published functional studies demonstrate that the variant does not alter the function of the Nav1.7 channel (Le Cann et al., 2021); Previously reported in a patient with severe myalgia, pain in extremities, childhood onset hypotonia, visual impairments, intestinal paralysis, and 3-methylglutaconic and 3-methylglutaric aciduria; the authors were unable to establish pathogenicity of the variant (Le Cann et al., 2021).; In silico analysis supports that this missense variant has a deleterious effect on protein structure/function; This variant is associated with the following publications: (PMID: 33487118, 27535533)

Literature cited by the submitters: PubMed 33487118 (cited by Women's Health and Genetics/Laboratory Corporation of America, LabCorp).

NM_001365536.1(SCN9A):c.3448G>A (p.Glu1150Lys)

Genes: SCN1A-AS1 (SCN1A and SCN9A antisense RNA 1; plus strand), SCN9A (sodium voltage-gated channel alpha subunit 9; minus strand). Cytogenetic location: 2q24.3.
Variant type: single nucleotide variant.
Coding change: c.3448G>A on transcript NM_001365536.1 (MANE Select); coding-DNA position 3448, G replaced by A.
Protein change: p.Glu1150Lys; replaces glutamic acid 1150 with lysine.
Molecular consequence: missense variant. On other transcripts: non-coding transcript variant (1).
Genome position (GRCh38, 1-based): chr2:166,251,789, C>T on the plus strand (G>A on the coding strand, the complement: SCN9A is on the minus strand). VCF-style: chr2-166251789-C-T. GRCh37 (hg19) VCF-style: chr2-167108299-C-T.
Other names: p.Glu1139Lys; c.3415G>A, p.Glu1139Lys (NM_002977.4); short protein forms E1139K, E1150K.
Identifiers: ClinVar variation 471112 (VCV000471112.22), dbSNP rs367794835, ClinGen allele CA1944058.